The following is an entry in ClinVar:

NM_001130969.3(NSMF):c.209G>A (p.Arg70His)

Gene: NSMF (NMDA receptor synaptonuclear signaling and neuronal migration factor; minus strand). Cytogenetic location: 9q34.3.
Variant type: single nucleotide variant.
Coding change: c.209G>A on transcript NM_001130969.3 (MANE Select); coding-DNA position 209, G replaced by A.
Protein change: p.Arg70His; replaces arginine 70 with histidine.
Molecular consequence: missense variant.
Genome position (GRCh38, 1-based): chr9:137,457,826, C>T on the plus strand (G>A on the coding strand, the complement: NSMF is on the minus strand). VCF-style: chr9-137457826-C-T. GRCh37 (hg19) VCF-style: chr9-140352278-C-T.
Other names: c.209G>A, p.Arg70His (NM_001130970.2, NM_001130971.2, NM_001178064.2 and 2 more transcripts); short protein forms R70H.
Identifiers: ClinVar variation 2405673 (VCV002405673.4), dbSNP rs772416207, ClinGen allele CA5370586.

ClinVar aggregate classification (germline): Uncertain significance. Review status: criteria provided, multiple submitters, no conflicts (2 of 4 stars). 2 submissions from 2 submitters: Uncertain significance (2). Last evaluated 2024-09-30.

Allele frequency attached by ClinVar (database versions not stated): TOPMed 0.00001; gnomAD 0.00002; ExAC 0.00006.
gnomAD v4.1: 29 of 1,556,152 alleles (0.0019%); highest among the groups gnomAD compares: African/African-American, 0.0027%; no homozygotes.

Submissions (2):

Labcorp Genetics (formerly Invitae), Labcorp
Classification: Uncertain significance. Last evaluated: 2024-09-30. Review status: criteria provided, single submitter. Criteria: Invitae Variant Classification Sherloc (09022015). Collection method: clinical testing. Allele origin: germline.
Comment: This sequence change replaces arginine, which is basic and polar, with histidine, which is basic and polar, at codon 70 of the NSMF protein (p.Arg70His). This variant is present in population databases (rs772416207, gnomAD 0.004%). This variant has not been reported in the literature in individuals affected with NSMF-related conditions. ClinVar contains an entry for this variant (Variation ID: 2405673). Invitae Evidence Modeling of protein sequence and biophysical properties (such as structural, functional, and spatial information, amino acid conservation, physicochemical variation, residue mobility, and thermodynamic stability) indicates that this missense variant is not expected to disrupt NSMF protein function with a negative predictive value of 80%. In summary, the available evidence is currently insufficient to determine the role of this variant in disease. Therefore, it has been classified as a Variant of Uncertain Significance.

Ambry Genetics
Classification: Uncertain significance. Last evaluated: 2022-10-25. Review status: criteria provided, single submitter. Criteria: Ambry Variant Classification Scheme 2023. Collection method: clinical testing. Allele origin: germline.